The following is an entry in ClinVar:

NM_003730.6(RNASET2):c.751C>T (p.Pro251Ser)

Gene: RNASET2 (ribonuclease T2; minus strand). Cytogenetic location: 6q27.
Variant type: single nucleotide variant.
Coding change: c.751C>T on transcript NM_003730.6 (MANE Select); coding-DNA position 751, C replaced by T.
Protein change: p.Pro251Ser; replaces proline 251 with serine.
Molecular consequence: missense variant.
Genome position (GRCh38, 1-based): chr6:166,929,608, G>A on the plus strand (C>T on the coding strand, the complement: RNASET2 is on the minus strand). VCF-style: chr6-166929608-G-A. GRCh37 (hg19) VCF-style: chr6-167343096-G-A.
Other names: short protein forms P251S.
Identifiers: ClinVar variation 1477090 (VCV001477090.6), dbSNP rs934916857, ClinGen allele CA151948764.

ClinVar aggregate classification (germline): Uncertain significance (1 of 4 stars; one submission).

Allele frequency attached by ClinVar (database versions not stated): gnomAD exomes below 0.00001; TOPMed 0.00001.
gnomAD v4.1: 2 of 1,614,102 alleles (0.00012%); highest among the groups gnomAD compares: Admixed American, 0.0017%; no homozygotes.

Submission:

Labcorp Genetics (formerly Invitae), Labcorp
Classification: Uncertain significance. Last evaluated: 2022-06-27. Review status: criteria provided, single submitter. Criteria: Invitae Variant Classification Sherloc (09022015). Collection method: clinical testing. Allele origin: germline.
Comment: In summary, the available evidence is currently insufficient to determine the role of this variant in disease. Therefore, it has been classified as a Variant of Uncertain Significance. Algorithms developed to predict the effect of missense changes on protein structure and function are either unavailable or do not agree on the potential impact of this missense change (SIFT: "Tolerated"; PolyPhen-2: "Possibly Damaging"; Align-GVGD: "Class C0"). This variant has not been reported in the literature in individuals affected with RNASET2-related conditions. This variant is present in population databases (no rsID available, gnomAD no frequency). This sequence change replaces proline, which is neutral and non-polar, with serine, which is neutral and polar, at codon 251 of the RNASET2 protein (p.Pro251Ser).